The following is an entry in ClinVar:

NM_012064.4(MIP):c.162dup (p.Leu55fs)

Gene: MIP (major intrinsic protein of lens fiber; minus strand). Cytogenetic location: 12q13.3.
Variant type: Duplication.
Coding change: c.162dup on transcript NM_012064.4 (MANE Select); coding-DNA position 162, one base duplicated (A; older notation c.162dupA).
Protein change: p.Leu55fs; shifts the reading frame from leucine 55.
Molecular consequence: frameshift variant.
Genome position (GRCh38, 1-based): chr12:56,454,452, T duplicated on the plus strand (A on the coding strand, the reverse complement: MIP is on the minus strand). VCF-style (leftmost placement, unchanged base first): chr12-56454451-G-GT. GRCh37 (hg19) VCF-style: chr12-56848235-G-GT.
Other names: short protein forms L55fs.
Identifiers: ClinVar variation 4727827 (VCV004727827.1).

ClinVar aggregate classification (germline): Pathogenic (1 of 4 stars; one submission).

Conditions:
Cataract 15 multiple types. Also called: CATARACT 15, LAMELLAR WITH SUTURAL OPACITIES. Identifiers: Orphanet 91492, MedGen C3809001, MONDO:0014110, OMIM 615274.

Submission:

Labcorp Genetics (formerly Invitae), Labcorp
Classification: Pathogenic for Cataract 15 multiple types. Last evaluated: 2025-09-24. Review status: criteria provided, single submitter. Criteria: Invitae Variant Classification Sherloc (09022015). Collection method: clinical testing. Allele origin: germline.
Comment: This sequence change creates a premature translational stop signal (p.Leu55Thrfs*52) in the MIP gene. It is expected to result in an absent or disrupted protein product. Loss-of-function variants in MIP are known to be pathogenic (PMID: 24405844, 27456987). This variant is not present in population databases (gnomAD no frequency). This variant has not been reported in the literature in individuals affected with MIP-related conditions. For these reasons, this variant has been classified as Pathogenic.

Literature cited by the submitters: PubMed 24405844; PubMed 27456987.